The following is an entry in ClinVar:

ClinVar aggregate classification (germline): Uncertain significance (1 of 4 stars; one submission).

Submission:

Labcorp Genetics (formerly Invitae), Labcorp
Classification: Uncertain significance. Last evaluated: 2022-08-10. Review status: criteria provided, single submitter. Criteria: Invitae Variant Classification Sherloc (09022015). Collection method: clinical testing. Allele origin: germline.
Comment: Algorithms developed to predict the effect of sequence changes on RNA splicing suggest that this variant may create or strengthen a splice site. In summary, the available evidence is currently insufficient to determine the role of this variant in disease. Therefore, it has been classified as a Variant of Uncertain Significance. Algorithms developed to predict the effect of missense changes on protein structure and function output the following: SIFT: "Tolerated"; PolyPhen-2: "Benign"; Align-GVGD: "Class C0". The phenylalanine amino acid residue is found in multiple mammalian species, which suggests that this missense change does not adversely affect protein function. ClinVar contains an entry for this variant (Variation ID: 1510841). This variant has not been reported in the literature in individuals affected with ZNF469-related conditions. This variant is not present in population databases (gnomAD no frequency). This sequence change replaces leucine, which is neutral and non-polar, with phenylalanine, which is neutral and non-polar, at codon 1061 of the ZNF469 protein (p.Leu1061Phe).

NM_001367624.2(ZNF469):c.3265C>T (p.Leu1089Phe)

Genes: ZNF469 (zinc finger protein 469; plus strand), LOC130059718 (ATAC-STARR-seq lymphoblastoid silent region 7847; plus strand). Cytogenetic location: 16q24.2.
Variant type: single nucleotide variant.
Coding change: c.3265C>T on transcript NM_001367624.2 (MANE Select); coding-DNA position 3265, C replaced by T.
Protein change: p.Leu1089Phe; replaces leucine 1089 with phenylalanine.
Molecular consequence: missense variant.
Genome position (GRCh38, 1-based): chr16:88,430,735, C>T. VCF-style: chr16-88430735-C-T. GRCh37 (hg19) VCF-style: chr16-88497143-C-T.
Other names: short protein forms L1089F.
Identifiers: ClinVar variation 1510841 (VCV001510841.6), dbSNP rs2142303646, ClinGen allele CA397079389.